The following is an entry in ClinVar:

NM_001486.4(GCKR):c.969-19A>G

Gene: GCKR (glucokinase regulator; plus strand). Cytogenetic location: 2p23.3.
Variant type: single nucleotide variant.
Coding change: c.969-19A>G on transcript NM_001486.4 (MANE Select); 19 bases into the intron before coding-DNA position 969, A replaced by G.
Molecular consequence: intron variant.
Genome position (GRCh38, 1-based): chr2:27,506,769, A>G. VCF-style: chr2-27506769-A-G. GRCh37 (hg19) VCF-style: chr2-27729636-A-G.
Identifiers: ClinVar variation 3675784 (VCV003675784.2).
Genomic context (GRCh38, chr2:27,506,769, plus strand): 5'-ACTCCTGTGTTCTTCTGTGGACATCTCTGGCCTCTTTGCACGGTGATCTCTCATGTCCTG[A>G]CCTCTGACCCATTCTCAGTCTGGAGAAGAAAGGCCACGTGTACCTGGTTGGCTGGCAGAC-3'

ClinVar aggregate classification (germline): Uncertain significance (1 of 4 stars; one submission).

Submission:

Labcorp Genetics (formerly Invitae), Labcorp
Classification: Uncertain significance. Last evaluated: 2024-12-23. Review status: criteria provided, single submitter. Criteria: Invitae Variant Classification Sherloc (09022015). Collection method: clinical testing. Allele origin: germline.
Comment: This sequence change falls in intron 11 of the GCKR gene. It does not directly change the encoded amino acid sequence of the GCKR protein. This variant is present in population databases (no rsID available, gnomAD 0.01%). This variant has not been reported in the literature in individuals affected with GCKR-related conditions. Algorithms developed to predict the effect of sequence changes on RNA splicing suggest that this variant may disrupt the consensus splice site. In summary, the available evidence is currently insufficient to determine the role of this variant in disease. Therefore, it has been classified as a Variant of Uncertain Significance.